The following is an entry in ClinVar:

NM_000548.5(TSC2):c.576C>A (p.Asp192Glu)

Gene: TSC2 (TSC complex subunit 2; plus strand). Cytogenetic location: 16p13.3.
Variant type: single nucleotide variant.
Coding change: c.576C>A on transcript NM_000548.5 (MANE Select); coding-DNA position 576, C replaced by A.
Protein change: p.Asp192Glu; replaces aspartic acid 192 with glutamic acid.
Molecular consequence: missense variant. On other transcripts: 5 prime UTR variant (13), non-coding transcript variant (5), intron variant (6).
Genome position (GRCh38, 1-based): chr16:2,055,496, C>A. VCF-style: chr16-2055496-C-A. GRCh37 (hg19) VCF-style: chr16-2105497-C-A.
Other names: c.576C>A, p.Asp192Glu (NM_001077183.3, NM_001114382.3, NM_001363528.2 and 8 more transcripts); c.465C>A, p.Asp155Glu (NM_001318827.2, NM_001406670.1, NM_001406678.1); c.429C>A, p.Asp143Glu (NM_001318829.2, NM_001406675.1, NM_001406676.1 and 1 more transcripts); c.609C>A, p.Asp203Glu (NM_001318832.2); c.666C>A, p.Asp222Glu (NM_001406667.1, NM_001406668.1); c.519C>A, p.Asp173Glu (NM_001406677.1); c.-241C>A (NM_001406680.1, NM_001406683.1, NM_001406687.1); c.114C>A, p.Asp38Glu (NM_001406681.1); and 6 more; short protein forms D143E, D155E, D173E, D192E, D203E, D222E, D38E.
Identifiers: ClinVar variation 3069223 (VCV003069223.5), dbSNP rs761704292, ClinGen allele CA394309736.

ClinVar aggregate classification (germline): Uncertain significance. Review status: criteria provided, multiple submitters, no conflicts (2 of 4 stars). 4 submissions from 4 submitters: Uncertain significance (4). Last evaluated 2024-06-13.

Conditions:
Tuberous sclerosis 2 (TSC2). Identifiers: Orphanet 805, MedGen C1860707, MONDO:0013199, OMIM 613254.
Tuberous sclerosis syndrome (TSC). Also called: Tuberous sclerosis; Tuberous Sclerosis Complex. Identifiers: Orphanet 805, MedGen C0041341, MONDO:0001734.
Hereditary cancer-predisposing syndrome. Also called: Neoplastic Syndromes, Hereditary; Tumor predisposition; Hereditary neoplastic syndrome; Hereditary Cancer Syndrome. Identifiers: Orphanet 140162, MedGen C0027672, MeSH D009386, MONDO:0015356.

Submissions (4):

Labcorp Genetics (formerly Invitae), Labcorp
Classification: Uncertain significance for Tuberous sclerosis 2. Last evaluated: 2024-06-13. Review status: criteria provided, single submitter. Criteria: Invitae Variant Classification Sherloc (09022015). Collection method: clinical testing. Allele origin: germline.
Comment: This sequence change replaces aspartic acid, which is acidic and polar, with glutamic acid, which is acidic and polar, at codon 192 of the TSC2 protein (p.Asp192Glu). This variant is not present in population databases (gnomAD no frequency). This variant has not been reported in the literature in individuals affected with TSC2-related conditions. Advanced modeling of protein sequence and biophysical properties (such as structural, functional, and spatial information, amino acid conservation, physicochemical variation, residue mobility, and thermodynamic stability) performed at Invitae indicates that this missense variant is not expected to disrupt TSC2 protein function with a negative predictive value of 95%. In summary, the available evidence is currently insufficient to determine the role of this variant in disease. Therefore, it has been classified as a Variant of Uncertain Significance.

All of Us Research Program, National Institutes of Health
Classification: Uncertain significance for Tuberous sclerosis syndrome. Last evaluated: 2024-01-11. Review status: criteria provided, single submitter. Criteria: ACMG Guidelines, 2015. Collection method: clinical testing. Allele origin: germline. Inheritance: Autosomal dominant inheritance. Observed: 2 variant alleles, 2 heterozygotes.
Comment: This missense variant replaces aspartic acid with glutamic acid at codon 192 of the TSC2 protein. Computational prediction is inconclusive regarding the impact of this variant on protein structure and function (internally defined REVEL score threshold 0.5 < inconclusive < 0.7, PMID: 27666373). To our knowledge, functional studies have not been reported for this variant. This variant has not been reported in individuals affected with tuberous sclerosis complex in the literature. This variant has not been identified in the general population by the Genome Aggregation Database (gnomAD). The available evidence is insufficient to determine the role of this variant in disease conclusively. Therefore, this variant is classified as a Variant of Uncertain Significance.

This study involves interpretation of variants in research participants for the purpose of population health screening. Participant phenotype was not available at the time of variant classification. Additional details can be found in publication PMID: 35346344, PMCID: PMC8962531

GeneDx
Classification: Uncertain significance. Last evaluated: 2023-10-16. Review status: criteria provided, single submitter. Criteria: GeneDx Variant Classification Process June 2021. Collection method: clinical testing. Allele origin: germline. Affected: yes.
Comment: Not observed at significant frequency in large population cohorts (gnomAD); In silico analysis supports that this missense variant does not alter protein structure/function; Has not been previously published as pathogenic or benign to our knowledge; This variant is associated with the following publications: (PMID: 18466115)

Ambry Genetics
Classification: Uncertain significance for Hereditary cancer-predisposing syndrome. Last evaluated: 2022-11-07. Review status: criteria provided, single submitter. Criteria: Ambry Variant Classification Scheme 2023. Collection method: clinical testing. Allele origin: germline.
Comment: The p.D192E variant (also known as c.576C>A), located in coding exon 5 of the TSC2 gene, results from a C to A substitution at nucleotide position 576. The aspartic acid at codon 192 is replaced by glutamic acid, an amino acid with highly similar properties. This amino acid position is conserved. In addition, this alteration is predicted to be tolerated by in silico analysis. Since supporting evidence is limited at this time, the clinical significance of this alteration remains unclear.